The following is an entry in ClinVar:

NM_181552.4(CUX1):c.691A>G (p.Met231Val)

Gene: CUX1 (cut like homeobox 1; plus strand). Cytogenetic location: 7q22.1.
Variant type: single nucleotide variant.
Coding change: c.691A>G on transcript NM_181552.4 (MANE Select); coding-DNA position 691, A replaced by G.
Protein change: p.Met231Val; replaces methionine 231 with valine.
Molecular consequence: missense variant.
Genome position (GRCh38, 1-based): chr7:102,158,576, A>G. VCF-style: chr7-102158576-A-G. GRCh37 (hg19) VCF-style: chr7-101801856-A-G.
Other names: NM_181500.4:c.724A>G; c.724A>G, p.Met242Val (NM_001202543.2, NM_001913.5, NM_181500.4); c.676A>G, p.Met226Val (NM_001202544.3); c.586A>G, p.Met196Val (NM_001202545.3); c.613A>G, p.Met205Val (NM_001202546.3); short protein forms M196V, M205V, M226V, M231V, M242V.
Identifiers: ClinVar variation 3024404 (VCV003024404.1), dbSNP rs2484681275, ClinGen allele CA368676989.

ClinVar aggregate classification (germline): Uncertain significance (1 of 4 stars; one submission).

Conditions:
Duane retraction syndrome. Also called: Duane Syndrome; Duane's syndrome; RETRACTION SYNDROME; Duane anomaly. Identifiers: Orphanet 233, MedGen C0013261, MONDO:0007473, HP:0009921.

Allele frequency attached by ClinVar (database versions not stated): gnomAD exomes below 0.00001.
gnomAD v4.1: 2 of 1,613,754 alleles (0.00012%); highest among the groups gnomAD compares: Non-Finnish European, 0.00017%; no homozygotes.

Submission:

Broad Center for Mendelian Genomics, Broad Institute of MIT and Harvard
Classification: Uncertain significance for Duane retraction syndrome. Last evaluated: 2024-02-27. Review status: criteria provided, single submitter. Criteria: ACMG Guidelines, 2015. Collection method: curation. Allele origin: germline. Inheritance: Autosomal dominant inheritance.
Comment: The heterozygous p.Met231Val variant (also known as p.Met242Val) in CUX1 was identified in 1 individual with isolated sporadic Duane retraction syndrome (DRS) via a collaborative study between the Broad Institute's Center for Mendelian Genomics and the Engle lab. While this gene has a strong gene-disease association with global developmental delay with or without impaired intellectual development, it is lacking sufficient evidence to establish a gene-disease relationship for DRS. We believe this is a possible novel gene candidate for DRS. Given the limited information about this gene-disease relationship, the significance of the p.Met231Val variant is uncertain. If you have any additional information about functional evidence or other individuals with this phenotype that also have variants in CUX1 we encourage you to reach out to the Engle Lab.